The following is an entry in ClinVar:

ClinVar aggregate classification (germline): Benign/Likely benign. Review status: criteria provided, multiple submitters, no conflicts (2 of 4 stars). 5 submissions from 5 submitters: Benign (3); Likely benign (1). 1 of the submissions does not count toward it. Last evaluated 2025-09-11.

Conditions:
SFTPA1-related disorder. Also called: SFTPA1-related condition.

Allele frequency attached by ClinVar (database versions not stated): ESP Exome Variant Server 0.16172; gnomAD 0.17245 and 0.17782; TOPMed 0.18656; ExAC 0.20002; gnomAD exomes 0.20570; 1000 Genomes Project 0.22085; 1000 Genomes Project 30x 0.22377.

Submissions (5):

Mayo Clinic Laboratories, Mayo Clinic
Classification: Benign. Last evaluated: 2025-09-11. Review status: criteria provided, single submitter. Criteria: ACMG Guidelines, 2015. Collection method: clinical testing. Allele origin: germline. Observed: 4 variant alleles.
Comment: BA1, BP4, BP7

Blueprint Genetics
Classification: Likely benign. Last evaluated: 2024-11-27. Review status: criteria provided, single submitter. Criteria: ACMG Guidelines, 2015. Collection method: clinical testing. Allele origin: germline.

Laboratory for Molecular Medicine, Mass General Brigham Personalized Medicine
Classification: Benign. Last evaluated: 2013-06-13. Review status: criteria provided, single submitter. Criteria: LMM Criteria. Collection method: clinical testing. Allele origin: germline. Observed: 37 variant alleles.
Comment: Benign based on MAF in ESP (16.7% in AA; 15.82% in EA)

Breakthrough Genomics
Classification: Benign. Review status: criteria provided, single submitter. Criteria: ACMG Guidelines, 2015. Collection method: not provided. Allele origin: germline. Inheritance: Autosomal dominant inheritance. Affected: yes.

PreventionGenetics, part of Exact Sciences
Classification: Benign for SFTPA1-related condition. Last evaluated: 2024-04-22. Review status: no assertion criteria provided. Collection method: clinical testing. Allele origin: germline. Not counted in ClinVar's aggregate classification.
Comment: This variant is classified as benign based on ACMG/AMP sequence variant interpretation guidelines (Richards et al. 2015 PMID: 25741868, with internal and published modifications).

NM_005411.5(SFTPA1):c.186A>G (p.Pro62=)

Gene: SFTPA1 (surfactant protein A1; plus strand). Cytogenetic location: 10q22.3.
Variant type: single nucleotide variant.
Coding change: c.186A>G on transcript NM_005411.5 (MANE Select); coding-DNA position 186, A replaced by G.
Protein change: p.Pro62=; no amino-acid change (proline 62 retained).
Molecular consequence: synonymous variant. On other transcripts: intron variant (2).
Genome position (GRCh38, 1-based): chr10:79,612,325, A>G. VCF-style: chr10-79612325-A-G. GRCh37 (hg19) VCF-style: chr10-81372081-A-G.
Other names: p.Pro62=; c.231A>G, p.Pro77= (NM_001093770.3); c.186A>G, p.Pro62= (NM_001164644.2, NM_001164647.1); c.86-47A>G (NM_001164646.2); c.131-47A>G (NM_001164645.2); c.186A>G (NM_005411.4).
Identifiers: ClinVar variation 165197 (VCV000165197.10), dbSNP rs1136451, ClinGen allele CA177921.